The following is an entry in ClinVar:

ClinVar aggregate classification (germline): Uncertain significance. Review status: criteria provided, multiple submitters, no conflicts (2 of 4 stars). 2 submissions from 2 submitters: Uncertain significance (2). Last evaluated 2024-12-24.

Conditions:
Encephalopathy, acute, infection-induced (herpes-specific), susceptibility to, 6. Also called: Herpes simplex encephalitis, susceptibility to, 4. Identifiers: Orphanet 1930, MedGen C3553869, MONDO:0013921, OMIM 614850.

gnomAD v4.1: 7 of 1,613,414 alleles (0.00043%); highest among the groups gnomAD compares: African/African-American, 0.004%; no homozygotes.

Submissions (2):

Labcorp Genetics (formerly Invitae), Labcorp
Classification: Uncertain significance for Encephalopathy, acute, infection-induced (herpes-specific), susceptibility to, 6. Last evaluated: 2024-12-24. Review status: criteria provided, single submitter. Criteria: Invitae Variant Classification Sherloc (09022015). Collection method: clinical testing. Allele origin: germline.
Comment: This sequence change replaces aspartic acid, which is acidic and polar, with histidine, which is basic and polar, at codon 281 of the TICAM1 protein (p.Asp281His). This variant is not present in population databases (gnomAD no frequency). This variant has not been reported in the literature in individuals affected with TICAM1-related conditions. An algorithm developed to predict the effect of missense changes on protein structure and function (PolyPhen-2) suggests that this variant is likely to be disruptive. In summary, the available evidence is currently insufficient to determine the role of this variant in disease. Therefore, it has been classified as a Variant of Uncertain Significance.

Ambry Genetics
Classification: Uncertain significance. Last evaluated: 2024-07-16. Review status: criteria provided, single submitter. Criteria: Ambry Variant Classification Scheme 2023. Collection method: clinical testing. Allele origin: germline.

NM_182919.4(TICAM1):c.841G>C (p.Asp281His)

Gene: TICAM1 (TIR domain containing adaptor molecule 1; minus strand). Cytogenetic location: 19p13.3.
Variant type: single nucleotide variant.
Coding change: c.841G>C on transcript NM_182919.4 (MANE Select); coding-DNA position 841, G replaced by C.
Protein change: p.Asp281His; replaces aspartic acid 281 with histidine.
Molecular consequence: missense variant.
Genome position (GRCh38, 1-based): chr19:4,817,537, C>G on the plus strand (G>C on the coding strand, the complement: TICAM1 is on the minus strand). VCF-style: chr19-4817537-C-G. GRCh37 (hg19) VCF-style: chr19-4817549-C-G.
Other names: c.799G>C, p.Asp267His (NM_001385678.1); c.706G>C, p.Asp236His (NM_001385679.1); c.199G>C, p.Asp67His (NM_001385680.1); short protein forms D67H, D236H, D267H, D281H.
Identifiers: ClinVar variation 3456448 (VCV003456448.3).